The following is an entry in ClinVar:

NM_000071.3(CBS):c.529A>T (p.Lys177Ter)

Gene: CBS (cystathionine beta-synthase; minus strand). Cytogenetic location: 21q22.3.
Variant type: single nucleotide variant.
Coding change: c.529A>T on transcript NM_000071.3 (MANE Select); coding-DNA position 529, A replaced by T.
Protein change: p.Lys177Ter; replaces lysine 177 with a stop codon.
Molecular consequence: nonsense.
Genome position (GRCh38, 1-based): chr21:43,065,618, T>A on the plus strand (A>T on the coding strand, the complement: CBS is on the minus strand). VCF-style: chr21-43065618-T-A. GRCh37 (hg19) VCF-style: chr21-44485728-T-A.
Other names: c.529A>T, p.Lys177Ter (NM_001178008.3, NM_001178009.3, NM_001320298.2); c.214A>T, p.Lys72Ter (NM_001321072.1); short protein forms K177*, K72*.
Identifiers: ClinVar variation 984018 (VCV000984018.3), dbSNP rs1982601982, ClinGen allele CA410601265.
Genomic context (GRCh38, chr21:43,065,618, plus strand): 5'-TGGCCCAGGCACCCTCATCCCCTGCCCTATGACCCCGCCCCTGGCCACGCCCACCCACCT[T>A]CTCGGAGCTCATCTTCTCTGGCATCACGATGATGCAGCGATAGCCCCTCACTGCCGCAGC-3'

ClinVar aggregate classification (germline): Likely pathogenic (1 of 4 stars; one submission).

Conditions:
Classic homocystinuria. Also called: Homocystinuria due to Cystathionine Beta-Synthase Deficiency; HOMOCYSTINURIA WITH OR WITHOUT RESPONSE TO PYRIDOXINE; Homocystinuria due to CBS deficiency; Cystathionine beta-synthase deficiency; CBS deficiency. Identifiers: Orphanet 394, MedGen C0751202, MONDO:0009352, OMIM 236200.

Submission:

Myriad Genetics, Inc.
Classification: Likely pathogenic for Classic homocystinuria. Last evaluated: 2019-10-26. Review status: criteria provided, single submitter. Criteria: Myriad Women's Health Autosomal Recessive and X-Linked Classification Criteria (2019). Collection method: clinical testing. Allele origin: unknown.
Comment: NM_000071.2(CBS):c.529A>T(K177*) is expected to be pathogenic in the context of homocystinuria, CBS-related. This variant is predicted to lead to an abnormal or absent protein product due to the creation of a premature termination codon in CBS, a gene where loss-of-function variants are known to be pathogenic. Please note: this variant was assessed in the context of healthy population screening.